The following is an entry in ClinVar:

ClinVar aggregate classification (germline): Uncertain significance (1 of 4 stars; one submission).

Conditions:
Autosomal recessive limb-girdle muscular dystrophy type 2A (LGMDR1). Also called: LEYDEN-MOEBIUS MUSCULAR DYSTROPHY; MUSCULAR DYSTROPHY, PELVOFEMORAL; Limb-girdle muscular dystrophy, type 2A; Muscular dystrophy, limb-girdle, type 2A, Amish; Calpainopathy. Identifiers: Orphanet 267, MedGen C1869123, MONDO:0009675, OMIM 253600. Disease mechanism: loss of function.

Submission:

Neuberg Centre For Genomic Medicine, NCGM
Classification: Uncertain significance for Autosomal recessive limb-girdle muscular dystrophy type 2A. Last evaluated: 2023-03-01. Review status: criteria provided, single submitter. Criteria: ACMG Guidelines, 2015. Collection method: clinical testing. Allele origin: germline. Inheritance: Autosomal recessive inheritance. Affected: yes.
Comment: The splice region/ synonymous c.1914G>A(p.Gln638) variant in the CAPN3 gene has not been reported previously as a pathogenic variant nor as a benign variant, to our knowledge. This variant is novel (not in any individuals) in gnomAD Exomes and 1000 Genomes. This p.Gln638 type of mutation causes no change in the protein that is produced, which is why it's considered as synonymous mutation. Loss of function variants has been previously reported to be disease causing (Bevilacqua et al., 2020). For these reasons, this variant has been classified as Uncertain Significance.

NM_000070.3(CAPN3):c.1914G>A (p.Gln638=)

Gene: CAPN3 (calpain 3; plus strand). Cytogenetic location: 15q15.1.
Variant type: single nucleotide variant.
Coding change: c.1914G>A on transcript NM_000070.3 (MANE Select); coding-DNA position 1914, G replaced by A.
Protein change: p.Gln638=; no amino-acid change (glutamine 638 retained).
Molecular consequence: synonymous variant. On other transcripts: intron variant (3).
Genome position (GRCh38, 1-based): chr15:42,408,324, G>A. VCF-style: chr15-42408324-G-A. GRCh37 (hg19) VCF-style: chr15-42700522-G-A.
Other names: c.1896G>A, p.Gln632= (NM_024344.2); c.378G>A, p.Gln126= (NM_173088.2); c.*1012G>A (NM_212464.2); c.*1589G>A (NM_212467.2); c.1639-979G>A (NM_173087.2); c.-81-979G>A (NM_173090.2, NM_173089.2).
Identifiers: ClinVar variation 2671701 (VCV002671701.1), dbSNP rs2548288041, ClinGen allele CA489885546.